The following is an entry in ClinVar:

ClinVar aggregate classification (germline): Likely pathogenic (1 of 4 stars; one submission).

Allele frequency attached by ClinVar (database versions not stated): gnomAD exomes 0.00001; gnomAD 0.00002; TOPMed 0.00003.

Submission:

GeneDx
Classification: Likely pathogenic. Last evaluated: 2022-04-06. Review status: criteria provided, single submitter. Criteria: GeneDx Variant Classification Process June 2021. Collection method: clinical testing. Allele origin: germline. Affected: yes.
Comment: Identified in an individual with congenital heart disease; however, segregation and detailed clinical information were not provided (Morton et al., 2021); Frameshift variant predicted to result in protein truncation or nonsense mediated decay in a gene for which loss of function is a known mechanism of disease; Not observed at significant frequency in large population cohorts (gnomAD); This variant is associated with the following publications: (PMID: 33084842)

NM_005085.4(NUP214):c.5773_5774del (p.Ser1925fs)

Gene: NUP214 (nucleoporin 214; plus strand). Cytogenetic location: 9q34.13.
Variant type: Deletion.
Coding change: c.5773_5774del on transcript NM_005085.4 (MANE Select); coding-DNA positions 5773 to 5774, 2 bases deleted (AG; older notation c.5773_5774delAG).
Protein change: p.Ser1925fs; shifts the reading frame from serine 1925.
Molecular consequence: frameshift variant.
Genome position (GRCh38, 1-based): chr9:131,222,801-131,222,802, AG deleted. VCF-style (leftmost placement, unchanged base first): chr9-131222800-CAG-C. GRCh37 (hg19) VCF-style: chr9-134098187-CAG-C.
Other names: c.5743_5744del, p.Ser1915fs (NM_001318324.2); c.2251_2252del, p.Ser751fs (NM_001318325.2); short protein forms S1915fs, S1925fs, S751fs.
Identifiers: ClinVar variation 1711883 (VCV001711883.2), dbSNP rs1834600064, ClinGen allele CA1129565313.